The following is an entry in ClinVar:

NM_000138.5(FBN1):c.6560G>A (p.Gly2187Asp)

Gene: FBN1 (fibrillin 1; minus strand). Cytogenetic location: 15q21.1.
Variant type: single nucleotide variant.
Coding change: c.6560G>A on transcript NM_000138.5 (MANE Select); coding-DNA position 6560, G replaced by A.
Protein change: p.Gly2187Asp; replaces glycine 2187 with aspartic acid.
Molecular consequence: missense variant.
Genome position (GRCh38, 1-based): chr15:48,434,650, C>T on the plus strand (G>A on the coding strand, the complement: FBN1 is on the minus strand). VCF-style: chr15-48434650-C-T. GRCh37 (hg19) VCF-style: chr15-48726847-C-T.
Other names: short protein forms G2187D.
Identifiers: ClinVar variation 927659 (VCV000927659.19), dbSNP rs2043050989, ClinGen allele CA392334957.

ClinVar aggregate classification (germline): Uncertain significance. Review status: criteria provided, multiple submitters, no conflicts (2 of 4 stars). 6 submissions from 6 submitters: Uncertain significance (6). Last evaluated 2025-10-03.

Conditions:
Familial thoracic aortic aneurysm and aortic dissection (TAAD). Also called: Thoracic aortic aneurysms and dissections. Identifiers: Orphanet 91387, MedGen C4707243, MONDO:0019625.
Weill-Marchesani syndrome 2, dominant. Also called: FBN1-Related Weill-Marchesani Syndrome; Weill-Marchesani Syndrome, Autosomal Dominant. Identifiers: Orphanet 2084, MedGen C1869115, MONDO:0012013, OMIM 608328.
Progeroid and marfanoid aspect-lipodystrophy syndrome. Also called: MARFANOID-PROGEROID SYNDROME; MARFAN-PROGEROID-LIPODYSTROPHY SYNDROME; Marfan lipodystrophy syndrome; MARFANOID-PROGEROID-LIPODYSTROPHY SYNDROME. Identifiers: Orphanet 300382, MedGen C4310796, MONDO:0014831, OMIM 616914.
Acromicric dysplasia (ACMICD). Also called: Acromicric skeletal dysplasia. Identifiers: Orphanet 969, MedGen C0265287, MONDO:0007055, OMIM 102370.
Ectopia lentis 1, isolated, autosomal dominant (ECTOL1). Identifiers: Orphanet 1885, MedGen C3541518, MONDO:0007514, OMIM 129600.
Geleophysic dysplasia 2 (GPHYSD2). Identifiers: Orphanet 2623, MedGen C3280054, MONDO:0013612, OMIM 614185.
Marfan syndrome (MFS). Also called: Marfan syndrome, classic; Marfan syndrome type 1; Marfan's syndrome; FBN1-Related Marfan Syndrome; MARFAN SYNDROME, TYPE I. Identifiers: Orphanet 284963, Orphanet 558, MedGen C0024796, MONDO:0007947, OMIM 154700.
MASS syndrome (OCTD). Also called: OVERLAP CONNECTIVE TISSUE DISEASE; MASS PHENOTYPE. Identifiers: MedGen C1858556, MONDO:0011431, OMIM 604308.
Stiff skin syndrome (SSKS). Identifiers: Orphanet 2833, MedGen C1861456, MONDO:0008492, OMIM 184900.

Allele frequency attached by ClinVar (database versions not stated): gnomAD exomes below 0.00001; TOPMed below 0.00001; gnomAD 0.00001.
gnomAD v4.1: 5 of 1,613,754 alleles (0.00031%); highest among the groups gnomAD compares: Non-Finnish European, 0.00042%; no homozygotes.

Submissions (6):

GeneDx
Classification: Uncertain significance. Last evaluated: 2025-10-03. Review status: criteria provided, single submitter. Criteria: GeneDx Variant Classification Process June 2021. Collection method: clinical testing. Allele origin: germline. Affected: yes.
Comment: Not observed at significant frequency in large population cohorts (gnomAD); In silico analysis supports that this missense variant has a deleterious effect on protein structure/function; Does not affect a cysteine or calcium-binding residue within an EGF-like domain or a TGF-binding protein domain of the FBN1 gene; cysteine substitutions in the EGF-like domains represent the majority of pathogenic missense changes associated with FBN1-related disorders (PMID: 12938084); This variant is associated with the following publications: (PMID: 25944730, 12938084)

Labcorp Genetics (formerly Invitae), Labcorp
Classification: Uncertain significance for Marfan syndrome; Familial thoracic aortic aneurysm and aortic dissection. Last evaluated: 2025-10-03. Review status: criteria provided, single submitter. Criteria: Invitae Variant Classification Sherloc (09022015). Collection method: clinical testing. Allele origin: germline.
Comment: This sequence change replaces glycine, which is neutral and non-polar, with aspartic acid, which is acidic and polar, at codon 2187 of the FBN1 protein (p.Gly2187Asp). This variant is not present in population databases (gnomAD no frequency). This missense change has been observed in individual(s) with ascending aortic aneurysm (PMID: 25944730; internal data). ClinVar contains an entry for this variant (Variation ID: 927659). Invitae Evidence Modeling of protein sequence and biophysical properties (such as structural, functional, and spatial information, amino acid conservation, physicochemical variation, residue mobility, and thermodynamic stability) indicates that this missense variant is expected to disrupt FBN1 protein function with a positive predictive value of 95%. This variant disrupts the p.Gly2187 amino acid residue in FBN1. Other variant(s) that disrupt this residue have been observed in individuals with FBN1-related conditions (PMID: 30056620), which suggests that this may be a clinically significant amino acid residue. In summary, the available evidence is currently insufficient to determine the role of this variant in disease. Therefore, it has been classified as a Variant of Uncertain Significance.

Color Diagnostics, LLC DBA Color Health
Classification: Uncertain significance for Familial thoracic aortic aneurysm and aortic dissection. Last evaluated: 2025-07-25. Review status: criteria provided, single submitter. Criteria: ACMG Guidelines, 2015. Collection method: clinical testing. Allele origin: germline.
Comment: This missense variant replaces glycine with aspartic acid at codon 2187 of the FBN1 protein. Computational prediction is inconclusive regarding the impact of this variant on protein structure and function. To our knowledge, functional studies have not been reported for this variant. This variant has been reported in an individual affected with aortic aneurysm and Marfan-like features (PMID: 25944730). This variant has not been identified in the general population by the Genome Aggregation Database (gnomAD). The available evidence is insufficient to determine the role of this variant in disease conclusively. Therefore, this variant is classified as a Variant of Uncertain Significance.

Ambry Genetics
Classification: Uncertain significance for Familial thoracic aortic aneurysm and aortic dissection. Last evaluated: 2025-07-15. Review status: criteria provided, single submitter. Criteria: Ambry Variant Classification Scheme 2023. Collection method: clinical testing. Allele origin: germline.
Comment: The p.G2187D variant (also known as c.6560G>A), located in coding exon 53 of the FBN1 gene, results from a G to A substitution at nucleotide position 6560. The glycine at codon 2187 is replaced by aspartic acid, an amino acid with similar properties. This variant was reported in an individual with aortic aneurysm and unspecified craniofacial and musculoskeletal findings (Wooderchak-Donahue W et al. Am J Med Genet A. 2015 Aug;167A(8):1747-57). This amino acid position is well conserved in available vertebrate species. In addition, the in silico prediction for this alteration is inconclusive. Based on the available evidence, the clinical significance of this variant remains unclear.

All of Us Research Program, National Institutes of Health
Classification: Uncertain significance for Marfan syndrome. Last evaluated: 2023-07-10. Review status: criteria provided, single submitter. Criteria: ACMG Guidelines, 2015. Collection method: clinical testing. Allele origin: germline. Inheritance: Autosomal dominant inheritance. Observed: 1 variant allele, 1 heterozygote.
Comment: This missense variant replaces glycine with aspartic acid at codon 2187 of the FBN1 protein. Computational prediction tool is inconclusive regarding the impact of this variant on protein structure and function (internally defined REVEL score threshold 0.5 < inconclusive < 0.7, PMID: 27666373). Splice site prediction tools suggest that this variant may not impact RNA splicing. To our knowledge, functional studies have not been performed for this variant. This variant has not been reported in individuals affected with cardiovascular disorders in the literature. This variant has not been identified in the general population by the Genome Aggregation Database (gnomAD). The available evidence is insufficient to determine the role of this variant in disease conclusively. Therefore, this variant is classified as a Variant of Uncertain Significance.

This study involves interpretation of variants in research participants for the purpose of population health screening. Participant phenotype was not available at the time of variant classification. Additional details can be found in publication PMID: 35346344, PMCID: PMC8962531

Fulgent Genetics
Classification: Uncertain significance for Acromicric dysplasia; Ectopia lentis 1, isolated, autosomal dominant; Marfan syndrome; Stiff skin syndrome; MASS syndrome; Weill-Marchesani syndrome 2, dominant; Geleophysic dysplasia 2; Progeroid and marfanoid aspect-lipodystrophy syndrome. Last evaluated: 2021-09-06. Review status: criteria provided, single submitter. Criteria: ACMG Guidelines, 2015. Collection method: clinical testing. Allele origin: unknown.

Literature cited by the submitters: PubMed 25944730 (cited by 3 submitters); PubMed 30056620 (cited by Labcorp Genetics (formerly Invitae), Labcorp).